The following is an entry in ClinVar:

NM_001083116.3(PRF1):c.74C>G (p.Thr25Arg)

Gene: PRF1 (perforin 1; minus strand). Cytogenetic location: 10q22.1.
Variant type: single nucleotide variant.
Coding change: c.74C>G on transcript NM_001083116.3 (MANE Select); coding-DNA position 74, C replaced by G.
Protein change: p.Thr25Arg; replaces threonine 25 with arginine.
Molecular consequence: missense variant.
Genome position (GRCh38, 1-based): chr10:70,600,829, G>C on the plus strand (C>G on the coding strand, the complement: PRF1 is on the minus strand). VCF-style: chr10-70600829-G-C. GRCh37 (hg19) VCF-style: chr10-72360585-G-C.
Other names: c.74C>G, p.Thr25Arg (NM_005041.6); short protein forms T25R.
Identifiers: ClinVar variation 835504 (VCV000835504.8), dbSNP rs775934637, ClinGen allele CA5539135.

ClinVar aggregate classification (germline): Uncertain significance. Review status: criteria provided, multiple submitters, no conflicts (2 of 4 stars). 2 submissions from 2 submitters: Uncertain significance (2). Last evaluated 2025-01-24.

Conditions:
Inborn genetic diseases. Identifiers: MedGen C0950123, MeSH D030342.
Familial hemophagocytic lymphohistiocytosis 2 (FHL2). Also called: PRF1-Related Familial Hemophagocytic Lymphohistiocytosis (PRF1-fHLH). Identifiers: Orphanet 540, MedGen C1863727, MONDO:0011337, OMIM 603553.

Allele frequency attached by ClinVar (database versions not stated): gnomAD 0.00001; TOPMed 0.00003; ExAC 0.00005; gnomAD exomes 0.00006.
gnomAD v4.1: 18 of 1,612,680 alleles (0.0011%); highest among the groups gnomAD compares: Admixed American, 0.023%; no homozygotes.

Submissions (2):

Ambry Genetics
Classification: Uncertain significance for Inborn genetic diseases. Last evaluated: 2025-01-24. Review status: criteria provided, single submitter. Criteria: Ambry Variant Classification Scheme 2023. Collection method: clinical testing. Allele origin: germline.

Labcorp Genetics (formerly Invitae), Labcorp
Classification: Uncertain significance for Familial hemophagocytic lymphohistiocytosis 2. Last evaluated: 2021-09-01. Review status: criteria provided, single submitter. Criteria: Invitae Variant Classification Sherloc (09022015). Collection method: clinical testing. Allele origin: germline.
Comment: This sequence change replaces threonine with arginine at codon 25 of the PRF1 protein (p.Thr25Arg). The threonine residue is moderately conserved and there is a moderate physicochemical difference between threonine and arginine. This variant is present in population databases (rs775934637, ExAC 0.06%). This variant has not been reported in the literature in individuals affected with PRF1-related conditions. Algorithms developed to predict the effect of missense changes on protein structure and function (SIFT, PolyPhen-2, Align-GVGD) all suggest that this variant is likely to be tolerated. Algorithms developed to predict the effect of sequence changes on RNA splicing suggest that this variant may create or strengthen a splice site. In summary, the available evidence is currently insufficient to determine the role of this variant in disease. Therefore, it has been classified as a Variant of Uncertain Significance.